The following is an entry in ClinVar:

ClinVar aggregate classification (germline): Uncertain significance. Review status: criteria provided, multiple submitters, no conflicts (2 of 4 stars). 2 submissions from 2 submitters: Uncertain significance (2). Last evaluated 2024-08-26.

Conditions:
Familial hypocalciuric hypercalcemia (FHH). Also called: Familial benign hypercalcemia. Identifiers: Orphanet 405, MedGen C1809471, MONDO:0018458.
Autosomal dominant hypocalcemia 1 (HYPOC1). Also called: HYPOCALCEMIA, FAMILIAL. Identifiers: MedGen C3715128, MONDO:0011013, OMIM 601198.
Nephrolithiasis/nephrocalcinosis. Identifiers: MedGen CN580796.

Allele frequency attached by ClinVar (database versions not stated): TOPMed below 0.00001; gnomAD exomes 0.00001.
gnomAD v4.1: 8 of 1,613,746 alleles (0.0005%); highest among the groups gnomAD compares: Non-Finnish European, 0.00068%; no homozygotes.

Submissions (2):

Labcorp Genetics (formerly Invitae), Labcorp
Classification: Uncertain significance for Familial hypocalciuric hypercalcemia; Autosomal dominant hypocalcemia 1. Last evaluated: 2024-08-26. Review status: criteria provided, single submitter. Criteria: Invitae Variant Classification Sherloc (09022015). Collection method: clinical testing. Allele origin: germline.
Comment: This sequence change replaces leucine, which is neutral and non-polar, with phenylalanine, which is neutral and non-polar, at codon 653 of the CASR protein (p.Leu653Phe). This variant is not present in population databases (gnomAD no frequency). This variant has not been reported in the literature in individuals affected with CASR-related conditions. ClinVar contains an entry for this variant (Variation ID: 532603). An algorithm developed to predict the effect of missense changes on protein structure and function (PolyPhen-2) suggests that this variant is likely to be disruptive. In summary, the available evidence is currently insufficient to determine the role of this variant in disease. Therefore, it has been classified as a Variant of Uncertain Significance.

Ambry Genetics
Classification: Uncertain significance for Nephrolithiasis/nephrocalcinosis. Last evaluated: 2022-04-01. Review status: criteria provided, single submitter. Criteria: Ambry Variant Classification Scheme 2023. Collection method: clinical testing. Allele origin: germline.
Comment: The p.L653F variant (also known as c.1957C>T), located in coding exon 6 of the CASR gene, results from a C to T substitution at nucleotide position 1957. The leucine at codon 653 is replaced by phenylalanine, an amino acid with highly similar properties. This amino acid position is conserved. In addition, the in silico prediction for this alteration is inconclusive. Since supporting evidence is limited at this time, the clinical significance of this alteration remains unclear.

NM_000388.4(CASR):c.1957C>T (p.Leu653Phe)

Gene: CASR (calcium sensing receptor; plus strand). Cytogenetic location: 3q21.1.
Variant type: single nucleotide variant.
Coding change: c.1957C>T on transcript NM_000388.4 (MANE Select); coding-DNA position 1957, C replaced by T.
Protein change: p.Leu653Phe; replaces leucine 653 with phenylalanine.
Molecular consequence: missense variant.
Genome position (GRCh38, 1-based): chr3:122,283,911, C>T. VCF-style: chr3-122283911-C-T. GRCh37 (hg19) VCF-style: chr3-122002758-C-T.
Other names: c.1987C>T, p.Leu663Phe (NM_001178065.2); short protein forms L653F, L663F.
Identifiers: ClinVar variation 532603 (VCV000532603.48), dbSNP rs1553768964, ClinGen allele CA354158146.